The following is an entry in ClinVar:

NM_182919.4(TICAM1):c.37G>A (p.Asp13Asn)

Gene: TICAM1 (TIR domain containing adaptor molecule 1; minus strand). Cytogenetic location: 19p13.3.
Variant type: single nucleotide variant.
Coding change: c.37G>A on transcript NM_182919.4 (MANE Select); coding-DNA position 37, G replaced by A.
Protein change: p.Asp13Asn; replaces aspartic acid 13 with asparagine.
Molecular consequence: missense variant.
Genome position (GRCh38, 1-based): chr19:4,818,341, C>T on the plus strand (G>A on the coding strand, the complement: TICAM1 is on the minus strand). VCF-style: chr19-4818341-C-T. GRCh37 (hg19) VCF-style: chr19-4818353-C-T.
Other names: c.37G>A (NM_182919.2); short protein forms D13N.
Identifiers: ClinVar variation 850876 (VCV000850876.6), dbSNP rs142880589, ClinGen allele CA9105437.
Genomic context (GRCh38, chr19:4,818,341, plus strand): 5'-GGGTCTTCAGTTTGTGCTTCAGATACAAGAGCTTGTCCTGGCCTGCTGCACCTAGAATGT[C>T]GAAGGCGCTAGGAAGTGATGGGCCTGTGCAGGCCATGGGCACAGGTGGGTGCAGCCTCCG-3'
Protein context (NP_891549.1, residues 3-23): CTGPSLPSAF[Asp13Asn]ILGAAGQDKL

ClinVar aggregate classification (germline): Uncertain significance. Review status: criteria provided, multiple submitters, no conflicts (2 of 4 stars). 2 submissions from 2 submitters: Uncertain significance (2). Last evaluated 2022-06-27.

Conditions:
Encephalopathy, acute, infection-induced (herpes-specific), susceptibility to, 6. Also called: Herpes simplex encephalitis, susceptibility to, 4. Identifiers: Orphanet 1930, MedGen C3553869, MONDO:0013921, OMIM 614850.

Allele frequency attached by ClinVar (database versions not stated): gnomAD 0.00001; ESP Exome Variant Server 0.00008; TOPMed 0.00002.

Submissions (2):

Labcorp Genetics (formerly Invitae), Labcorp
Classification: Uncertain significance for Encephalopathy, acute, infection-induced (herpes-specific), susceptibility to, 6. Last evaluated: 2022-06-27. Review status: criteria provided, single submitter. Criteria: Invitae Variant Classification Sherloc (09022015). Collection method: clinical testing. Allele origin: germline.
Comment: This sequence change replaces aspartic acid, which is acidic and polar, with asparagine, which is neutral and polar, at codon 13 of the TICAM1 protein (p.Asp13Asn). This variant is present in population databases (rs142880589, gnomAD 0.003%). This variant has not been reported in the literature in individuals affected with TICAM1-related conditions. ClinVar contains an entry for this variant (Variation ID: 850876). Algorithms developed to predict the effect of missense changes on protein structure and function output the following: SIFT: "Tolerated"; PolyPhen-2: "Benign"; Align-GVGD: "Class C0". The asparagine amino acid residue is found in multiple mammalian species, which suggests that this missense change does not adversely affect protein function. In summary, the available evidence is currently insufficient to determine the role of this variant in disease. Therefore, it has been classified as a Variant of Uncertain Significance.

Ambry Genetics
Classification: Uncertain significance. Last evaluated: 2022-04-07. Review status: criteria provided, single submitter. Criteria: Ambry Variant Classification Scheme 2023. Collection method: clinical testing. Allele origin: germline.